The following is an entry in ClinVar:

ClinVar aggregate classification (germline): Uncertain significance (1 of 4 stars; one submission).

Submission:

Women's Health and Genetics/Laboratory Corporation of America, LabCorp
Classification: Uncertain significance. Last evaluated: 2024-08-02. Review status: criteria provided, single submitter. Criteria: LabCorp Variant Classification Summary - May 2015. Collection method: clinical testing. Allele origin: germline.
Comment: Variant summary: The variant involves the duplication of exon 7 in the CYP21A2 gene. A presumed nomenclature of c.(738+1_739-1)_(939+1_940-1)dup has been designated for the purposes of this classification. It is assumed to be a tandem duplication in direct orientation (PMIDs: 25640679, 30054569). This Copy Number Variant (CNV) is predicted to result in an in-frame duplication within this gene. The variant was not found in large population database (gnomAD, Structural Variants database). Additionally, allele frequency data in this gene may be confounded due to possible pseudogene overlap. To our knowledge, no occurrence of exon 7 duplication in individuals affected with Congenital Adrenal Hyperplasia and no experimental evidence demonstrating its impact on protein function have been reported. No submitters have cited clinical-significance assessments for this variant to ClinVar. Based on the evidence outlined above, the variant was classified as uncertain significance.

NC_000006.11:g.(32007613_32007781)_(32007983_32008182)dup

Gene: CYP21A2 (cytochrome P450 family 21 subfamily A member 2; plus strand). Cytogenetic location: 6p21.33.
Variant type: Duplication.
Identifiers: ClinVar variation 3366515 (VCV003366515.1).